The following is an entry in ClinVar:

NM_001042492.3(NF1):c.2189dup (p.Asn730fs)

Gene: NF1 (neurofibromin 1; plus strand). Cytogenetic location: 17q11.2.
Variant type: Duplication.
Coding change: c.2189dup on transcript NM_001042492.3 (MANE Select); coding-DNA position 2189, one base duplicated (A; older notation c.2189dupA).
Protein change: p.Asn730fs; shifts the reading frame from asparagine 730.
Molecular consequence: frameshift variant.
Genome position (GRCh38, 1-based): chr17:31,226,622, A duplicated; the last of 2 consecutive A bases (chr17:31,226,621-31,226,622); duplicating either gives the same sequence. VCF-style (leftmost placement, unchanged base first): chr17-31226620-T-TA. GRCh37 (hg19) VCF-style: chr17-29553638-T-TA.
Other names: c.2189dupA (NM_000267.3); c.2189dup, p.Asn730Lysfs (NM_000267.4); short protein forms N730fs.
Identifiers: ClinVar variation 2762621 (VCV002762621.4), dbSNP rs2151426016, ClinGen allele CA2697559716.

ClinVar aggregate classification (germline): Pathogenic. Review status: criteria provided, multiple submitters, no conflicts (2 of 4 stars). 2 submissions from 2 submitters: Pathogenic (2). Last evaluated 2023-09-22.

Conditions:
Neurofibromatosis, type 1 (NF1). Also called: VON RECKLINGHAUSEN DISEASE; Neurofibromatosis, type I; NEUROFIBROMATOSIS, TYPE I, SOMATIC; Peripheral type neurofibromatosis. Identifiers: Orphanet 636, MedGen C0027831, MONDO:0018975, OMIM 162200. Disease mechanism: loss of function.
Hereditary cancer-predisposing syndrome. Also called: Hereditary neoplastic syndrome; Hereditary Cancer Syndrome; Neoplastic Syndromes, Hereditary; Tumor predisposition. Identifiers: Orphanet 140162, MedGen C0027672, MeSH D009386, MONDO:0015356.
Cardiovascular phenotype. Identifiers: MedGen CN230736.

Submissions (2):

Labcorp Genetics (formerly Invitae), Labcorp
Classification: Pathogenic for Neurofibromatosis, type 1. Last evaluated: 2023-09-22. Review status: criteria provided, single submitter. Criteria: Invitae Variant Classification Sherloc (09022015). Collection method: clinical testing. Allele origin: germline.
Comment: This sequence change creates a premature translational stop signal (p.Asn730Lysfs*7) in the NF1 gene. It is expected to result in an absent or disrupted protein product. Loss-of-function variants in NF1 are known to be pathogenic (PMID: 10712197, 23913538). This variant is not present in population databases (gnomAD no frequency). This variant has not been reported in the literature in individuals affected with NF1-related conditions. For these reasons, this variant has been classified as Pathogenic.

Ambry Genetics
Classification: Pathogenic for Cardiovascular phenotype; Hereditary cancer-predisposing syndrome. Last evaluated: 2023-05-22. Review status: criteria provided, single submitter. Criteria: Ambry Variant Classification Scheme 2023. Collection method: clinical testing. Allele origin: germline.
Comment: The c.2189dupA pathogenic mutation, located in coding exon 18 of the NF1 gene, results from a duplication of A at nucleotide position 2189, causing a translational frameshift with a predicted alternate stop codon (p.N730Kfs*7). This alteration is expected to result in loss of function by premature protein truncation or nonsense-mediated mRNA decay. As such, this alteration is interpreted as a disease-causing mutation.

Literature cited by the submitters: PubMed 10712197 (cited by Labcorp Genetics (formerly Invitae), Labcorp); PubMed 23913538 (cited by Labcorp Genetics (formerly Invitae), Labcorp).